The following is an entry in ClinVar:

NM_018082.6(POLR3B):c.1505_1507del (p.Ile502del)

Gene: POLR3B (RNA polymerase III subunit B; plus strand). Cytogenetic location: 12q23.3.
Variant type: Deletion.
Coding change: c.1505_1507del on transcript NM_018082.6 (MANE Select); coding-DNA positions 1505 to 1507, 3 bases deleted (TCA; older notation c.1505_1507delTCA).
Protein change: p.Ile502del; deletes isoleucine 502.
Genome position (GRCh38, 1-based): chr12:106,432,358-106,432,360, TCA deleted; deleting any 3 consecutive bases within chr12:106,432,356-106,432,360 gives the same sequence; the c. name uses the placement nearest the transcript's 3' end. VCF-style (leftmost placement, unchanged base first): chr12-106432355-ACAT-A. GRCh37 (hg19) VCF-style: chr12-106826133-ACAT-A.
Other names: c.1331_1333del, p.Ile444del (NM_001160708.2); short protein forms I444del, I502del.
Identifiers: ClinVar variation 3726289 (VCV003726289.2).

ClinVar aggregate classification (germline): Uncertain significance (1 of 4 stars; one submission).

Submission:

Labcorp Genetics (formerly Invitae), Labcorp
Classification: Uncertain significance. Last evaluated: 2024-11-27. Review status: criteria provided, single submitter. Criteria: Invitae Variant Classification Sherloc (09022015). Collection method: clinical testing. Allele origin: germline.
Comment: This variant, c.1505_1507del, results in the deletion of 1 amino acid(s) of the POLR3B protein (p.Ile502del), but otherwise preserves the integrity of the reading frame. This variant is not present in population databases (gnomAD no frequency). This variant has not been reported in the literature in individuals affected with POLR3B-related conditions. Experimental studies and prediction algorithms are not available or were not evaluated, and the functional significance of this variant is currently unknown. In summary, the available evidence is currently insufficient to determine the role of this variant in disease. Therefore, it has been classified as a Variant of Uncertain Significance.